The following is an entry in ClinVar:

ClinVar aggregate classification (germline): Uncertain significance (1 of 4 stars; one submission).

Allele frequency attached by ClinVar (database versions not stated): 1000 Genomes Project 30x 0.00016; 1000 Genomes Project 0.00020; gnomAD exomes 0.00023; ExAC 0.00030; ESP Exome Variant Server 0.00038; TOPMed 0.00040.

Submission:

Labcorp Genetics (formerly Invitae), Labcorp
Classification: Uncertain significance. Last evaluated: 2025-11-10. Review status: criteria provided, single submitter. Criteria: Invitae Variant Classification Sherloc (09022015). Collection method: clinical testing. Allele origin: germline.
Comment: This sequence change replaces arginine, which is basic and polar, with histidine, which is basic and polar, at codon 326 of the KRT6C protein (p.Arg326His). This variant is present in population databases (rs147729627, gnomAD 0.06%), and has an allele count higher than expected for a pathogenic variant. This variant has not been reported in the literature in individuals affected with KRT6C-related conditions. ClinVar contains an entry for this variant (Variation ID: 2065625). Invitae Evidence Modeling of protein sequence and biophysical properties (such as structural, functional, and spatial information, amino acid conservation, physicochemical variation, residue mobility, and thermodynamic stability) indicates that this missense variant is not expected to disrupt KRT6C protein function with a negative predictive value of 80%. In summary, the available evidence is currently insufficient to determine the role of this variant in disease. Therefore, it has been classified as a Variant of Uncertain Significance.

NM_173086.5(KRT6C):c.977G>A (p.Arg326His)

Gene: KRT6C (keratin 6C; minus strand). Cytogenetic location: 12q13.13.
Variant type: single nucleotide variant.
Coding change: c.977G>A on transcript NM_173086.5 (MANE Select); coding-DNA position 977, G replaced by A.
Protein change: p.Arg326His; replaces arginine 326 with histidine.
Molecular consequence: missense variant.
Genome position (GRCh38, 1-based): chr12:52,471,232, C>T on the plus strand (G>A on the coding strand, the complement: KRT6C is on the minus strand). VCF-style: chr12-52471232-C-T. GRCh37 (hg19) VCF-style: chr12-52865016-C-T.
Other names: short protein forms R326H.
Identifiers: ClinVar variation 2065625 (VCV002065625.4), dbSNP rs147729627, ClinGen allele CA6581316.